The following is an entry in ClinVar:

NM_206933.4(USH2A):c.7870C>T (p.Pro2624Ser)

Gene: USH2A (usherin; minus strand). Cytogenetic location: 1q41.
Variant type: single nucleotide variant.
Coding change: c.7870C>T on transcript NM_206933.4 (MANE Select); coding-DNA position 7870, C replaced by T.
Protein change: p.Pro2624Ser; replaces proline 2624 with serine.
Molecular consequence: missense variant.
Genome position (GRCh38, 1-based): chr1:215,888,779, G>A on the plus strand (C>T on the coding strand, the complement: USH2A is on the minus strand). VCF-style: chr1-215888779-G-A. GRCh37 (hg19) VCF-style: chr1-216062121-G-A.
Other names: short protein forms P2624S.
Identifiers: ClinVar variation 3028702 (VCV003028702.2), dbSNP rs1665134920, ClinGen allele CA344839607.

ClinVar aggregate classification (germline): Conflicting classifications of pathogenicity. Review status: criteria provided, conflicting classifications (1 of 4 stars). 2 submissions from 2 submitters: Likely pathogenic (1); Uncertain significance (1). Last evaluated 2025-06-14.

Conditions:
Retinal dystrophy. Also called: Inherited retinal dystrophy. Identifiers: Orphanet 71862, MedGen C0854723, MeSH D058499, MONDO:0019118, HP:0000556.

Submissions (2):

Labcorp Genetics (formerly Invitae), Labcorp
Classification: Likely pathogenic. Last evaluated: 2025-06-14. Review status: criteria provided, single submitter. Criteria: Invitae Variant Classification Sherloc (09022015). Collection method: clinical testing. Allele origin: germline.
Comment: This sequence change replaces proline, which is neutral and non-polar, with serine, which is neutral and polar, at codon 2624 of the USH2A protein (p.Pro2624Ser). This variant is not present in population databases (gnomAD no frequency). This variant has not been reported in the literature in individuals affected with USH2A-related conditions. ClinVar contains an entry for this variant (Variation ID: 3028702). Invitae Evidence Modeling of protein sequence and biophysical properties (such as structural, functional, and spatial information, amino acid conservation, physicochemical variation, residue mobility, and thermodynamic stability) indicates that this missense variant is expected to disrupt USH2A protein function with a positive predictive value of 95%. This variant disrupts the p.Pro2624 amino acid residue in USH2A. Other variant(s) that disrupt this residue have been determined to be pathogenic (PMID: 28000701, 29625443, 32675063). This suggests that this residue is clinically significant, and that variants that disrupt this residue are likely to be disease-causing. In summary, the currently available evidence indicates that the variant is pathogenic, but additional data are needed to prove that conclusively. Therefore, this variant has been classified as Likely Pathogenic.

Dept Of Ophthalmology, Nagoya University
Classification: Uncertain significance for Retinal dystrophy. Last evaluated: 2023-10-01. Review status: criteria provided, single submitter. Criteria: Submitter's publication. Collection method: research. Allele origin: germline. Affected: yes.

Literature cited by the submitters: PubMed 28000701 (cited by Labcorp Genetics (formerly Invitae), Labcorp); PubMed 29625443 (cited by Labcorp Genetics (formerly Invitae), Labcorp); PubMed 32675063 (cited by Labcorp Genetics (formerly Invitae), Labcorp).